The following is an entry in ClinVar:

NM_000038.6(APC):c.1086C>G (p.Gly362=)

Gene: APC (APC regulator of Wnt signaling pathway; plus strand). Cytogenetic location: 5q22.2.
Variant type: single nucleotide variant.
Coding change: c.1086C>G on transcript NM_000038.6 (MANE Select); coding-DNA position 1086, C replaced by G.
Protein change: p.Gly362=; no amino-acid change (glycine 362 retained).
Molecular consequence: synonymous variant. On other transcripts: intron variant (15), non-coding transcript variant (2).
Genome position (GRCh38, 1-based): chr5:112,819,118, C>G. VCF-style: chr5-112819118-C-G. GRCh37 (hg19) VCF-style: chr5-112154815-C-G.
Other names: c.859-151C>G (NM_001354904.2); c.85-151C>G (NM_001407471.1, NM_001407472.1); c.934-151C>G (NM_001407454.1, NM_001354903.2, NM_001407456.1 and 5 more transcripts); c.850-151C>G (NM_001407467.1, NM_001407469.1); c.757-151C>G (NM_001354905.2); c.1086C>G, p.Gly362= (NM_001127510.3, NM_001354895.2, NM_001354896.2 and 4 more transcripts); c.1032C>G, p.Gly344= (NM_001127511.3); c.1116C>G, p.Gly372= (NM_001354897.2, NM_001407446.1); and 5 more.
Identifiers: ClinVar variation 2149101 (VCV002149101.5), dbSNP rs1762829914, ClinGen allele CA445755832.

ClinVar aggregate classification (germline): Benign/Likely benign. Review status: criteria provided, multiple submitters, no conflicts (2 of 4 stars). 2 submissions from 2 submitters: Benign (1); Likely benign (1). Last evaluated 2024-02-29.

Conditions:
Familial adenomatous polyposis 1 (FAP1). Also called: FAMILIAL ADENOMATOUS POLYPOSIS 1, ATTENUATED; POLYPOSIS, ADENOMATOUS INTESTINAL. Identifiers: MedGen C2713442, MONDO:0021056, OMIM 175100. Disease mechanism: loss of function.

Submissions (2):

Myriad Genetics, Inc.
Classification: Benign for Familial adenomatous polyposis 1. Last evaluated: 2024-02-29. Review status: criteria provided, single submitter. Criteria: Myriad Autosomal Dominant, Autosomal Recessive and X-Linked Classification Criteria (2023). Collection method: clinical testing. Allele origin: unknown.
Comment: This variant is considered benign. This variant is a silent/synonymous amino acid change and it is not expected to impact splicing.

Labcorp Genetics (formerly Invitae), Labcorp
Classification: Likely benign for Familial adenomatous polyposis 1. Last evaluated: 2022-02-04. Review status: criteria provided, single submitter. Criteria: Invitae Variant Classification Sherloc (09022015). Collection method: clinical testing. Allele origin: germline.